The following is an entry in ClinVar:

NM_001904.4(CTNNB1):c.1576C>T (p.Pro526Ser)

Genes: CTNNB1 (catenin beta 1; plus strand), LOC126806659 (BRD4-independent group 4 enhancer GRCh37_chr3:41274918-41276117; plus strand). Cytogenetic location: 3p22.1.
Variant type: single nucleotide variant.
Coding change: c.1576C>T on transcript NM_001904.4 (MANE Select); coding-DNA position 1576, C replaced by T.
Protein change: p.Pro526Ser; replaces proline 526 with serine.
Molecular consequence: missense variant.
Genome position (GRCh38, 1-based): chr3:41,234,190, C>T. VCF-style: chr3-41234190-C-T. GRCh37 (hg19) VCF-style: chr3-41275681-C-T.
Other names: c.1576C>T, p.Pro526Ser (NM_001098209.2, NM_001098210.2); c.1555C>T, p.Pro519Ser (NM_001330729.2); short protein forms P519S, P526S.
Identifiers: ClinVar variation 1721516 (VCV001721516.6), dbSNP rs2125641919, ClinGen allele CA352234159.

ClinVar aggregate classification (germline): Uncertain significance (1 of 4 stars; one submission).

Submission:

Labcorp Genetics (formerly Invitae), Labcorp
Classification: Uncertain significance. Last evaluated: 2024-10-16. Review status: criteria provided, single submitter. Criteria: Invitae Variant Classification Sherloc (09022015). Collection method: clinical testing. Allele origin: germline.
Comment: This sequence change replaces proline, which is neutral and non-polar, with serine, which is neutral and polar, at codon 526 of the CTNNB1 protein (p.Pro526Ser). This variant is not present in population databases (gnomAD no frequency). This variant has not been reported in the literature in individuals affected with CTNNB1-related conditions. ClinVar contains an entry for this variant (Variation ID: 1721516). Invitae Evidence Modeling of protein sequence and biophysical properties (such as structural, functional, and spatial information, amino acid conservation, physicochemical variation, residue mobility, and thermodynamic stability) indicates that this missense variant is expected to disrupt CTNNB1 protein function with a positive predictive value of 80%. In summary, the available evidence is currently insufficient to determine the role of this variant in disease. Therefore, it has been classified as a Variant of Uncertain Significance.